The following is an entry in ClinVar:

ClinVar aggregate classification (germline): Pathogenic (0 of 4 stars; one submission).

Conditions:
Holoprosencephaly 3 (HPE3). Identifiers: Orphanet 2162, MedGen C1840529, MONDO:0007733, OMIM 142945.

Submission:

GeneReviews
Classification: Pathogenic for Holoprosencephaly. Last evaluated: 2013-08-29. Review status: no assertion criteria provided. Collection method: curation. Allele origin: unknown.
ClinVar note: Converted during submission from pathologic to Pathogenic.

NM_000193.4(SHH):c.6_9dup (p.Leu4fs)

Gene: SHH (sonic hedgehog signaling molecule; minus strand). Cytogenetic location: 7q36.3.
Variant type: Duplication.
Coding change: c.6_9dup on transcript NM_000193.4 (MANE Select); coding-DNA positions 6 to 9, 4 bases duplicated (GCTG; older notation c.6_9dupGCTG).
Protein change: p.Leu4fs; shifts the reading frame from leucine 4.
Molecular consequence: frameshift variant.
Genome position (GRCh38, 1-based): chr7:155,812,114-155,812,117, CAGC duplicated on the plus strand (GCTG on the coding strand, the reverse complement: SHH is on the minus strand). VCF-style (leftmost placement, unchanged base first): chr7-155812113-G-GCAGC. GRCh37 (hg19) VCF-style: chr7-155604807-G-GCAGC.
Other names: c.160-161insGCTG; short protein forms L4fs.
Identifiers: ClinVar variation 65853 (VCV000065853.2), dbSNP rs587778788, ClinGen allele CA345183.